The following is an entry in ClinVar:

NM_021615.5(CHST6):c.365A>C (p.Gln122Pro)

Gene: CHST6 (carbohydrate sulfotransferase 6; minus strand). Cytogenetic location: 16q23.1.
Variant type: single nucleotide variant.
Coding change: c.365A>C on transcript NM_021615.5 (MANE Select); coding-DNA position 365, A replaced by C.
Protein change: p.Gln122Pro; replaces glutamine 122 with proline.
Molecular consequence: missense variant.
Genome position (GRCh38, 1-based): chr16:75,479,464, T>G on the plus strand (A>C on the coding strand, the complement: CHST6 is on the minus strand). VCF-style: chr16-75479464-T-G. GRCh37 (hg19) VCF-style: chr16-75513362-T-G.
Other names: short protein forms Q122P.
Identifiers: ClinVar variation 3339467 (VCV003339467.1).
Genomic context (GRCh38, chr16:75,479,464, plus strand): 5'-GCGCCTCGGGGAAAGGCACTGCAGGCGGGTGGCGAGCACAGTGCACGGCTCACGGCCCAC[T>G]GGAAGAGGTCGGACAGGTTGCGGCGCCAAGGCAGATAGGCATCAAACACGTCCATGTCGC-3'
Protein context (NP_067628.1, residues 112-132): PWRRNLSDLF[Gln122Pro]WAVSRALCSP

ClinVar aggregate classification (germline): Uncertain significance (1 of 4 stars; one submission).

gnomAD v4.1: 23 of 1,612,660 alleles (0.0014%); highest among the groups gnomAD compares: African/African-American, 0.0027%; no homozygotes.

Submission:

Women's Health and Genetics/Laboratory Corporation of America, LabCorp
Classification: Uncertain significance. Last evaluated: 2024-07-17. Review status: criteria provided, single submitter. Criteria: LabCorp Variant Classification Summary - May 2015. Collection method: clinical testing. Allele origin: germline.
Comment: Variant summary: CHST6 c.365A>C (p.Gln122Pro) results in a non-conservative amino acid change located in the Sulfotransferase domain (IPR000863) of the encoded protein sequence. Four of five in-silico tools predict a damaging effect of the variant on protein function. The variant allele was found at a frequency of 4e-06 in 248808 control chromosomes. The available data on variant occurrences in the general population are insufficient to allow any conclusion about variant significance. c.365A>C has been reported in the literature as compound heterozygous genotype in an individual affected with Macular Corneal Dystrophy (Aldave_2004). These report(s) do not provide unequivocal conclusions about association of the variant with Macular Corneal Dystrophy. To our knowledge, no experimental evidence demonstrating an impact on protein function has been reported. The following publications have been ascertained in the context of this evaluation (PMID: 15013869). No submitters have cited clinical-significance assessments for this variant to ClinVar. Based on the evidence outlined above, the variant was classified as uncertain significance.

Literature cited by the submitters: PubMed 19337156; PubMed 15013869.